The following is an entry in ClinVar:

ClinVar aggregate classification (germline): Uncertain significance (1 of 4 stars; one submission).

Conditions:
Autosomal recessive limb-girdle muscular dystrophy type 2L (LGMDR12). Also called: Limb-girdle muscular dystrophy, type 2L; MUSCULAR DYSTROPHY, LIMB-GIRDLE, AUTOSOMAL RECESSIVE 12; Limb-Girdle Muscular Dystrophy R12 Anoctamin-5-Related (LGMD-R12). Identifiers: Orphanet 206549, MedGen C1969785, MONDO:0012652, OMIM 611307.
Gnathodiaphyseal dysplasia (GDD). Also called: OSTEOGENESIS IMPERFECTA WITH UNUSUAL SKELETAL LESIONS; GNATHODIAPHYSEAL SCLEROSIS. Identifiers: Orphanet 53697, MedGen C1833736, MONDO:0008151, OMIM 166260.

gnomAD v4.1: 1 of 1,614,116 alleles (0.000062%); highest among the groups gnomAD compares: Non-Finnish European, 0.000085%; no homozygotes.

Submission:

Labcorp Genetics (formerly Invitae), Labcorp
Classification: Uncertain significance for Autosomal recessive limb-girdle muscular dystrophy type 2L; Gnathodiaphyseal dysplasia. Last evaluated: 2022-07-05. Review status: criteria provided, single submitter. Criteria: Invitae Variant Classification Sherloc (09022015). Collection method: clinical testing. Allele origin: germline.
Comment: This sequence change replaces arginine, which is basic and polar, with serine, which is neutral and polar, at codon 640 of the ANO5 protein (p.Arg640Ser). In summary, the available evidence is currently insufficient to determine the role of this variant in disease. Therefore, it has been classified as a Variant of Uncertain Significance. Advanced modeling of protein sequence and biophysical properties (such as structural, functional, and spatial information, amino acid conservation, physicochemical variation, residue mobility, and thermodynamic stability) performed at Invitae indicates that this missense variant is not expected to disrupt ANO5 protein function. ClinVar contains an entry for this variant (Variation ID: 1056774). This variant has not been reported in the literature in individuals affected with ANO5-related conditions. This variant is not present in population databases (gnomAD no frequency).

NM_213599.3(ANO5):c.1920A>T (p.Arg640Ser)

Gene: ANO5 (anoctamin 5; plus strand). Cytogenetic location: 11p14.3.
Variant type: single nucleotide variant.
Coding change: c.1920A>T on transcript NM_213599.3 (MANE Select); coding-DNA position 1920, A replaced by T.
Protein change: p.Arg640Ser; replaces arginine 640 with serine.
Molecular consequence: missense variant.
Genome position (GRCh38, 1-based): chr11:22,270,333, A>T. VCF-style: chr11-22270333-A-T. GRCh37 (hg19) VCF-style: chr11-22291879-A-T.
Other names: c.1917A>T, p.Arg639Ser (NM_001142649.2); short protein forms R639S, R640S.
Identifiers: ClinVar variation 1056774 (VCV001056774.12), dbSNP rs2133778259, ClinGen allele CA379923275.